The following is an entry in ClinVar:

ClinVar aggregate classification (germline): Uncertain significance (1 of 4 stars; one submission).

Conditions:
Candidiasis, familial, 9 (CANDF9). Identifiers: Orphanet 1334, MedGen C4225324, MONDO:0014642, OMIM 616445.

Allele frequency attached by ClinVar (database versions not stated): gnomAD exomes below 0.00001; gnomAD 0.00001; TOPMed 0.00001.
gnomAD v4.1: 3 of 1,614,006 alleles (0.00019%); highest among the groups gnomAD compares: African/African-American, 0.0027%; no homozygotes.

Submission:

Labcorp Genetics (formerly Invitae), Labcorp
Classification: Uncertain significance for Candidiasis, familial, 9. Last evaluated: 2022-11-14. Review status: criteria provided, single submitter. Criteria: Invitae Variant Classification Sherloc (09022015). Collection method: clinical testing. Allele origin: germline.
Comment: This sequence change replaces leucine, which is neutral and non-polar, with proline, which is neutral and non-polar, at codon 21 of the IL17RC protein (p.Leu21Pro). This variant is not present in population databases (gnomAD no frequency). This variant has not been reported in the literature in individuals affected with IL17RC-related conditions. Algorithms developed to predict the effect of missense changes on protein structure and function are either unavailable or do not agree on the potential impact of this missense change (SIFT: "Deleterious"; PolyPhen-2: "Possibly Damaging"; Align-GVGD: "Class C0"). In summary, the available evidence is currently insufficient to determine the role of this variant in disease. Therefore, it has been classified as a Variant of Uncertain Significance.

NM_153460.4(IL17RC):c.62T>C (p.Leu21Pro)

Gene: IL17RC (interleukin 17 receptor C; plus strand). Cytogenetic location: 3p25.3.
Variant type: single nucleotide variant.
Coding change: c.62T>C on transcript NM_153460.4 (MANE Select); coding-DNA position 62, T replaced by C.
Protein change: p.Leu21Pro; replaces leucine 21 with proline.
Molecular consequence: missense variant. On other transcripts: non-coding transcript variant (1).
Genome position (GRCh38, 1-based): chr3:9,917,377, T>C. VCF-style: chr3-9917377-T-C. GRCh37 (hg19) VCF-style: chr3-9959061-T-C.
Other names: c.62T>C, p.Leu21Pro (NM_001203263.2, NM_001203264.2, NM_001203265.2 and 6 more transcripts); short protein forms L21P.
Identifiers: ClinVar variation 2788765 (VCV002788765.3), dbSNP rs2083165085, ClinGen allele CA351753013.
Genomic context (GRCh38, chr3:9,917,377, plus strand): 5'-TGCCTGTGCCCTGGTTCTTGCTGTCCTTGGCACTGGGCCGAAGCCCAGTGGTCCTTTCTC[T>C]GGAGAGGCTTGTGGGGCCTCAGGACGCTACCCACTGCTCTCCGGTGAGTCTGGAACCCTG-3'
Protein context (NP_703190.2, residues 11-31): ALGRSPVVLS[Leu21Pro]ERLVGPQDAT